The following is an entry in ClinVar:

ClinVar aggregate classification (germline): Benign/Likely benign. Review status: criteria provided, multiple submitters, no conflicts (2 of 4 stars). 7 submissions from 6 submitters: Benign (1); Likely benign (5). 1 of the submissions does not count toward it. Last evaluated 2026-01-06.

Conditions:
Ehlers-Danlos syndrome, arthrochalasia type, 2. Also called: EHLERS-DANLOS SYNDROME, TYPE VIIB, AUTOSOMAL DOMINANT. Identifiers: MedGen CN293783, MONDO:0040501, OMIM 617821.
COL1A2-related disorder. Also called: COL1A2-related condition; COL1A2-Related Disorders.
Osteogenesis imperfecta (OI). Identifiers: Orphanet 666, MedGen C0029434, MeSH D010013, MONDO:0019019.
Osteogenesis imperfecta type I (OI1). Also called: OI, TYPE I; OSTEOGENESIS IMPERFECTA TARDA; OSTEOGENESIS IMPERFECTA WITH BLUE SCLERAE; Classic Non-deforming Osteogenesis Imperfecta with Blue Sclerae; Lobstein disease; Osteogenesis imperfecta type 1. Identifiers: Orphanet 216796, Orphanet 666, MedGen C0023931, MONDO:0008146, OMIM 166200. Disease mechanism: loss of function.
Ehlers-Danlos syndrome, classic type, 1 (EDSCL1). Also called: EHLERS-DANLOS SYNDROME, GRAVIS TYPE; EHLERS-DANLOS SYNDROME, SEVERE CLASSIC TYPE; EDS I; Ehlers-Danlos syndrome, type 1; Ehlers-Danlos Syndrome, Classic Type, COL5A1-Related. Identifiers: MedGen C0268335, MONDO:0019567, OMIM 130000.

Allele frequency attached by ClinVar (database versions not stated): gnomAD 0.00007 and 0.00009; ESP Exome Variant Server 0.00008; TOPMed 0.00009; gnomAD exomes 0.00018 and 0.00021; ExAC 0.00020.
gnomAD v4.1: 315 of 1,611,110 alleles (0.02%); highest among the groups gnomAD compares: Non-Finnish European, 0.026%; no homozygotes.

Submissions (7):

Labcorp Genetics (formerly Invitae), Labcorp
Classification: Likely benign for Osteogenesis imperfecta type I; Ehlers-Danlos syndrome, classic type, 1. Last evaluated: 2026-01-06. Review status: criteria provided, single submitter. Criteria: Invitae Variant Classification Sherloc (09022015). Collection method: clinical testing. Allele origin: germline.

Mayo Clinic Laboratories, Mayo Clinic
Classification: Likely benign. Last evaluated: 2025-05-24. Review status: criteria provided, single submitter. Criteria: ACMG Guidelines, 2015. Collection method: clinical testing. Allele origin: germline. Observed: 2 variant alleles.
Comment: BP4, BP7

Women's Health and Genetics/Laboratory Corporation of America, LabCorp
Classification: Likely benign. Last evaluated: 2025-01-07. Review status: criteria provided, single submitter. Criteria: LabCorp Variant Classification Summary - May 2015. Collection method: clinical testing. Allele origin: germline.

Blueprint Genetics
Classification: Likely benign. Last evaluated: 2024-08-29. Review status: criteria provided, single submitter. Criteria: ACMG Guidelines, 2015. Collection method: clinical testing. Allele origin: germline.

Illumina Laboratory Services, Illumina
Classification: Likely benign for Osteogenesis imperfecta. Last evaluated: 2018-01-13. Review status: criteria provided, single submitter. Criteria: ICSL Variant Classification Criteria 13 December 2019. Collection method: clinical testing. Allele origin: germline.
Comment: This variant was observed in the ICSL laboratory as part of a predisposition screen in an ostensibly healthy population. It had not been previously curated by ICSL or reported in the Human Gene Mutation Database (HGMD: prior to June 1st, 2018), and was therefore a candidate for classification through an automated scoring system. Utilizing variant allele frequency, disease prevalence and penetrance estimates, and inheritance mode, an automated score was calculated to assess if this variant is too frequent to cause the disease. Based on the score and internal cut-off values, a variant classified as likely benign is not then subjected to further curation. The score for this variant resulted in a classification of likely benign for this disease.

Illumina Laboratory Services, Illumina
Classification: Benign for Ehlers-Danlos syndrome, arthrochalasia type, 2. Last evaluated: 2018-01-13. Review status: criteria provided, single submitter. Criteria: ICSL Variant Classification Criteria 13 December 2019. Collection method: clinical testing. Allele origin: germline.
Comment: This variant was observed in the ICSL laboratory as part of a predisposition screen in an ostensibly healthy population. It had not been previously curated by ICSL or reported in the Human Gene Mutation Database (HGMD: prior to June 1st, 2018), and was therefore a candidate for classification through an automated scoring system. Utilizing variant allele frequency, disease prevalence and penetrance estimates, and inheritance mode, an automated score was calculated to assess if this variant is too frequent to cause the disease. Based on the score and internal cut-off values, a variant classified as benign is not then subjected to further curation. The score for this variant resulted in a classification of benign for this disease.

PreventionGenetics, part of Exact Sciences
Classification: Likely benign for COL1A2-related condition. Last evaluated: 2022-07-07. Review status: no assertion criteria provided. Collection method: clinical testing. Allele origin: germline. Not counted in ClinVar's aggregate classification.
Comment: This variant is classified as likely benign based on ACMG/AMP sequence variant interpretation guidelines (Richards et al. 2015 PMID: 25741868, with internal and published modifications).

NM_000089.4(COL1A2):c.2025+9A>G

Gene: COL1A2 (collagen type I alpha 2 chain; plus strand). Cytogenetic location: 7q21.3.
Variant type: single nucleotide variant.
Coding change: c.2025+9A>G on transcript NM_000089.4 (MANE Select); 9 bases into the intron after coding-DNA position 2025, A replaced by G.
Molecular consequence: intron variant.
Genome position (GRCh38, 1-based): chr7:94,418,561, A>G. VCF-style: chr7-94418561-A-G. GRCh37 (hg19) VCF-style: chr7-94047873-A-G.
Other names: p.?.
Identifiers: ClinVar variation 360960 (VCV000360960.23), dbSNP rs368837694, ClinGen allele CA4347260.